The following is an entry in ClinVar:

ClinVar aggregate classification (germline): Uncertain significance (1 of 4 stars; one submission).

Conditions:
Aortic valve disease 2 (AOVD2). Identifiers: MedGen C3542024, MONDO:0013902, OMIM 614823.

Allele frequency attached by ClinVar (database versions not stated): gnomAD exomes below 0.00001.
gnomAD v4.1: 1 of 1,613,440 alleles (0.000062%); highest among the groups gnomAD compares: Non-Finnish European, 0.000085%; no homozygotes.

Submission:

Labcorp Genetics (formerly Invitae), Labcorp
Classification: Uncertain significance for Aortic valve disease 2. Last evaluated: 2022-03-16. Review status: criteria provided, single submitter. Criteria: Invitae Variant Classification Sherloc (09022015). Collection method: clinical testing. Allele origin: germline.
Comment: In summary, the available evidence is currently insufficient to determine the role of this variant in disease. Therefore, it has been classified as a Variant of Uncertain Significance. Advanced modeling of protein sequence and biophysical properties (such as structural, functional, and spatial information, amino acid conservation, physicochemical variation, residue mobility, and thermodynamic stability) performed at Invitae indicates that this missense variant is not expected to disrupt TBX5 protein function. This variant has not been reported in the literature in individuals affected with TBX5-related conditions. This variant is not present in population databases (gnomAD no frequency). This sequence change replaces glycine, which is neutral and non-polar, with aspartic acid, which is acidic and polar, at codon 9 of the TBX5 protein (p.Gly9Asp).

NM_181486.4(TBX5):c.26G>A (p.Gly9Asp)

Gene: TBX5 (T-box transcription factor 5; minus strand). Cytogenetic location: 12q24.21.
Variant type: single nucleotide variant.
Coding change: c.26G>A on transcript NM_181486.4 (MANE Select); coding-DNA position 26, G replaced by A.
Protein change: p.Gly9Asp; replaces glycine 9 with aspartic acid.
Molecular consequence: missense variant. On other transcripts: intron variant (1).
Genome position (GRCh38, 1-based): chr12:114,403,873, C>T on the plus strand (G>A on the coding strand, the complement: TBX5 is on the minus strand). VCF-style: chr12-114403873-C-T. GRCh37 (hg19) VCF-style: chr12-114841678-C-T.
Other names: c.26G>A, p.Gly9Asp (NM_000192.3); c.-3-1953G>A (NM_080717.4); short protein forms G9D.
Identifiers: ClinVar variation 2044408 (VCV002044408.4), dbSNP rs2540477851, ClinGen allele CA386863658.